The following is an entry in ClinVar:

NM_001711.6(BGN):c.892G>A (p.Asp298Asn)

Gene: BGN (biglycan; plus strand). Cytogenetic location: Xq28.
Variant type: single nucleotide variant.
Coding change: c.892G>A on transcript NM_001711.6 (MANE Select); coding-DNA position 892, G replaced by A.
Protein change: p.Asp298Asn; replaces aspartic acid 298 with asparagine.
Molecular consequence: missense variant.
Genome position (GRCh38, 1-based): chrX:153,507,168, G>A. VCF-style: chrX-153507168-G-A. GRCh37 (hg19) VCF-style: chrX-152772626-G-A.
Other names: short protein forms D298N.
Identifiers: ClinVar variation 1721089 (VCV001721089.5), dbSNP rs2521221767, ClinGen allele CA415071566.

ClinVar aggregate classification (germline): Uncertain significance (1 of 4 stars; one submission).

Submission:

Labcorp Genetics (formerly Invitae), Labcorp
Classification: Uncertain significance. Last evaluated: 2022-10-10. Review status: criteria provided, single submitter. Criteria: Invitae Variant Classification Sherloc (09022015). Collection method: clinical testing. Allele origin: germline.
Comment: This sequence change replaces aspartic acid, which is acidic and polar, with asparagine, which is neutral and polar, at codon 298 of the BGN protein (p.Asp298Asn). In summary, the available evidence is currently insufficient to determine the role of this variant in disease. Therefore, it has been classified as a Variant of Uncertain Significance. Advanced modeling of protein sequence and biophysical properties (such as structural, functional, and spatial information, amino acid conservation, physicochemical variation, residue mobility, and thermodynamic stability) performed at Invitae indicates that this missense variant is not expected to disrupt BGN protein function. This variant has not been reported in the literature in individuals affected with BGN-related conditions. This variant is not present in population databases (gnomAD no frequency).